The following is an entry in ClinVar:

NM_006642.5(SDCCAG8):c.953C>T (p.Ala318Val)

Gene: SDCCAG8 (SHH signaling and ciliogenesis regulator SDCCAG8; plus strand). Cytogenetic location: 1q43.
Variant type: single nucleotide variant.
Coding change: c.953C>T on transcript NM_006642.5 (MANE Select); coding-DNA position 953, C replaced by T.
Protein change: p.Ala318Val; replaces alanine 318 with valine.
Molecular consequence: missense variant.
Genome position (GRCh38, 1-based): chr1:243,316,778, C>T. VCF-style: chr1-243316778-C-T. GRCh37 (hg19) VCF-style: chr1-243480080-C-T.
Other names: c.50C>T, p.Ala17Val (NM_001350246.2, NM_001350247.2, NM_001350251.2); c.1049C>T, p.Ala350Val (NM_001350248.2); c.659C>T, p.Ala220Val (NM_001350249.2); short protein forms A17V, A220V, A318V, A350V.
Identifiers: ClinVar variation 1989609 (VCV001989609.4), dbSNP rs2073277913, ClinGen allele CA345480686.

ClinVar aggregate classification (germline): Uncertain significance (1 of 4 stars; one submission).

Conditions:
Bardet-Biedl syndrome 16 (BBS16). Identifiers: Orphanet 110, MedGen C3889474, MONDO:0014444, OMIM 615993.
Senior-Loken syndrome 7 (SLSN7). Identifiers: Orphanet 3156, MedGen C3150877, MONDO:0013326, OMIM 613615.

Allele frequency attached by ClinVar (database versions not stated): TOPMed below 0.00001.

Submission:

Labcorp Genetics (formerly Invitae), Labcorp
Classification: Uncertain significance for Bardet-Biedl syndrome 16; Senior-Loken syndrome 7. Last evaluated: 2022-05-03. Review status: criteria provided, single submitter. Criteria: Invitae Variant Classification Sherloc (09022015). Collection method: clinical testing. Allele origin: germline.
Comment: This variant has not been reported in the literature in individuals affected with SDCCAG8-related conditions. This variant is not present in population databases (gnomAD no frequency). This sequence change replaces alanine, which is neutral and non-polar, with valine, which is neutral and non-polar, at codon 318 of the SDCCAG8 protein (p.Ala318Val). Algorithms developed to predict the effect of missense changes on protein structure and function output the following: SIFT: "Tolerated"; PolyPhen-2: "Benign"; Align-GVGD: "Class C0". The valine amino acid residue is found in multiple mammalian species, which suggests that this missense change does not adversely affect protein function. In summary, the available evidence is currently insufficient to determine the role of this variant in disease. Therefore, it has been classified as a Variant of Uncertain Significance.